The following is an entry in ClinVar:

ClinVar aggregate classification (germline): Uncertain significance (1 of 4 stars; one submission).

Allele frequency attached by ClinVar (database versions not stated): ESP Exome Variant Server 0.00008; 1000 Genomes Project 30x 0.00016; 1000 Genomes Project 0.00020.
gnomAD v4.1: 15 of 1,613,972 alleles (0.00093%); highest among the groups gnomAD compares: African/African-American, 0.008%; no homozygotes.

Submission:

Labcorp Genetics (formerly Invitae), Labcorp
Classification: Uncertain significance. Last evaluated: 2024-01-06. Review status: criteria provided, single submitter. Criteria: Invitae Variant Classification Sherloc (09022015). Collection method: clinical testing. Allele origin: germline.
Comment: This sequence change replaces valine, which is neutral and non-polar, with isoleucine, which is neutral and non-polar, at codon 115 of the PLA2G5 protein (p.Val115Ile). This variant is present in population databases (rs183088076, gnomAD 0.008%). This variant has not been reported in the literature in individuals affected with PLA2G5-related conditions. An algorithm developed to predict the effect of missense changes on protein structure and function (PolyPhen-2) suggests that this variant is likely to be disruptive. In summary, the available evidence is currently insufficient to determine the role of this variant in disease. Therefore, it has been classified as a Variant of Uncertain Significance.

NM_000929.3(PLA2G5):c.343G>A (p.Val115Ile)

Gene: PLA2G5 (phospholipase A2 group V; plus strand). Cytogenetic location: 1p36.13.
Variant type: single nucleotide variant.
Coding change: c.343G>A on transcript NM_000929.3 (MANE Select); coding-DNA position 343, G replaced by A.
Protein change: p.Val115Ile; replaces valine 115 with isoleucine.
Molecular consequence: missense variant.
Genome position (GRCh38, 1-based): chr1:20,090,618, G>A. VCF-style: chr1-20090618-G-A. GRCh37 (hg19) VCF-style: chr1-20417111-G-A.
Other names: short protein forms V115I.
Identifiers: ClinVar variation 2956088 (VCV002956088.3), dbSNP rs183088076, ClinGen allele CA658272.